The following is an entry in ClinVar:

ClinVar aggregate classification (germline): Uncertain significance (1 of 4 stars; one submission).

Conditions:
Myopathy, proximal, and ophthalmoplegia (CMYO6). Also called: CONGENITAL MYOPATHY 6 WITH OPHTHALMOPLEGIA; MYOPATHY WITH CONGENITAL JOINT CONTRACTURES, OPHTHALMOPLEGIA, AND RIMMED VACUOLES; INCLUSION BODY MYOPATHY 3, AUTOSOMAL DOMINANT. Identifiers: Orphanet 363677, Orphanet 79091, MedGen C1854106, MONDO:0011577, OMIM 605637.

Submission:

Labcorp Genetics (formerly Invitae), Labcorp
Classification: Uncertain significance for Myopathy, proximal, and ophthalmoplegia. Last evaluated: 2026-01-28. Review status: criteria provided, single submitter. Criteria: Invitae Variant Classification Sherloc (09022015). Collection method: clinical testing. Allele origin: germline.
Comment: This sequence change replaces arginine, which is basic and polar, with leucine, which is neutral and non-polar, at codon 1142 of the MYH2 protein (p.Arg1142Leu). This variant is not present in population databases (gnomAD no frequency). This variant has not been reported in the literature in individuals affected with MYH2-related conditions. Invitae Evidence Modeling of protein sequence and biophysical properties (such as structural, functional, and spatial information, amino acid conservation, physicochemical variation, residue mobility, and thermodynamic stability) indicates that this missense variant is not expected to disrupt MYH2 protein function with a negative predictive value of 80%. In summary, the available evidence is currently insufficient to determine the role of this variant in disease. Therefore, it has been classified as a Variant of Uncertain Significance.

NM_017534.6(MYH2):c.3425G>T (p.Arg1142Leu)

Genes: MYHAS (myosin heavy chain gene cluster antisense RNA; plus strand), MYH2 (myosin heavy chain 2; minus strand). Cytogenetic location: 17p13.1.
Variant type: single nucleotide variant.
Coding change: c.3425G>T on transcript NM_017534.6 (MANE Select); coding-DNA position 3425, G replaced by T.
Protein change: p.Arg1142Leu; replaces arginine 1142 with leucine.
Molecular consequence: missense variant.
Genome position (GRCh38, 1-based): chr17:10,529,009, C>A on the plus strand (G>T on the coding strand, the complement: MYH2 is on the minus strand). VCF-style: chr17-10529009-C-A. GRCh37 (hg19) VCF-style: chr17-10432326-C-A.
Other names: c.3425G>T, p.Arg1142Leu (NM_001100112.2); short protein forms R1142L.
Identifiers: ClinVar variation 4701258 (VCV004701258.1).
Genomic context (GRCh38, chr17:10,529,009, plus strand): 5'-GCCCCACCGGCTTCTTCCAGCCTCTCGCTGATCTCCTCCAGCTCCCGGGAGAGGTCAGAG[C>A]GCTGCTTCTCTGCTTTGGCCCGGGAGGCCCGCTCTGCCTCGATTTCCTCCTCCAGCTCCT-3'
Protein context (NP_060004.3, residues 1132-1152): RASRAKAEKQ[Arg1142Leu]SDLSRELEEI